The following is an entry in ClinVar:

NM_005633.4(SOS1):c.2894C>G (p.Ala965Gly)

Gene: SOS1 (SOS Ras/Rac guanine nucleotide exchange factor 1; minus strand). Cytogenetic location: 2p22.1.
Variant type: single nucleotide variant.
Coding change: c.2894C>G on transcript NM_005633.4 (MANE Select); coding-DNA position 2894, C replaced by G.
Protein change: p.Ala965Gly; replaces alanine 965 with glycine.
Molecular consequence: missense variant.
Genome position (GRCh38, 1-based): chr2:38,997,323, G>C on the plus strand (C>G on the coding strand, the complement: SOS1 is on the minus strand). VCF-style: chr2-38997323-G-C. GRCh37 (hg19) VCF-style: chr2-39224464-G-C.
Other names: c.2873C>G, p.Ala958Gly (NM_001382394.1); c.2894C>G, p.Ala965Gly (NM_001382395.1); short protein forms A965G, A958G.
Identifiers: ClinVar variation 2059608 (VCV002059608.6), dbSNP rs549952317, ClinGen allele CA346361730.

ClinVar aggregate classification (germline): Pathogenic. Review status: criteria provided, multiple submitters, no conflicts (2 of 4 stars). 2 submissions from 2 submitters: Pathogenic (2). Last evaluated 2025-04-28.

Conditions:
RASopathy. Also called: Noonan spectrum disorder; rasopathies. Identifiers: Orphanet 536391, MedGen C5555857, MONDO:0021060.

Submissions (2):

GeneDx
Classification: Pathogenic. Last evaluated: 2025-04-28. Review status: criteria provided, single submitter. Criteria: GeneDx Variant Classification Process June 2021. Collection method: clinical testing. Allele origin: germline. Affected: yes.
Comment: Missense variants in this gene are a common cause of disease and they are underrepresented in the general population; In silico analysis supports that this missense variant has a deleterious effect on protein structure/function; Not observed at significant frequency in large population cohorts (gnomAD); This variant is associated with the following publications: (PMID: 29493581, 38259611)

Labcorp Genetics (formerly Invitae), Labcorp
Classification: Pathogenic for RASopathy. Last evaluated: 2022-12-14. Review status: criteria provided, single submitter. Criteria: Invitae Variant Classification Sherloc (09022015). Collection method: clinical testing. Allele origin: germline.
Comment: For these reasons, this variant has been classified as Pathogenic. Advanced modeling of protein sequence and biophysical properties (such as structural, functional, and spatial information, amino acid conservation, physicochemical variation, residue mobility, and thermodynamic stability) performed at Invitae indicates that this missense variant is expected to disrupt SOS1 protein function. This missense change has been observed in individual(s) with clinical features of Noonan spectrum disorder (Invitae). In at least one individual the variant was observed to be de novo. This variant is not present in population databases (gnomAD no frequency). This sequence change replaces alanine, which is neutral and non-polar, with glycine, which is neutral and non-polar, at codon 965 of the SOS1 protein (p.Ala965Gly).